The following is an entry in ClinVar:

NM_000059.4(BRCA2):c.4352A>C (p.Asp1451Ala)

Gene: BRCA2 (BRCA2 DNA repair associated; plus strand). Cytogenetic location: 13q13.1.
Variant type: single nucleotide variant.
Coding change: c.4352A>C on transcript NM_000059.4 (MANE Select); coding-DNA position 4352, A replaced by C.
Protein change: p.Asp1451Ala; replaces aspartic acid 1451 with alanine.
Molecular consequence: missense variant.
Genome position (GRCh38, 1-based): chr13:32,338,707, A>C. VCF-style: chr13-32338707-A-C. GRCh37 (hg19) VCF-style: chr13-32912844-A-C.
Other names: c.4352A>C, p.Asp1451Ala (NM_001406719.1, NM_001406720.1); short protein forms D1451A.
Identifiers: ClinVar variation 1739943 (VCV001739943.4), dbSNP rs80358671, ClinGen allele CA387780936.

ClinVar aggregate classification (germline): Conflicting classifications of pathogenicity. Review status: criteria provided, conflicting classifications (1 of 4 stars). 2 submissions from 2 submitters: Uncertain significance (1); Likely benign (1). Last evaluated 2023-03-23.

Conditions:
Hereditary cancer-predisposing syndrome. Also called: Hereditary Cancer Syndrome; Hereditary neoplastic syndrome; Neoplastic Syndromes, Hereditary; Tumor predisposition. Identifiers: Orphanet 140162, MedGen C0027672, MeSH D009386, MONDO:0015356.

Submissions (2):

University of Washington Department of Laboratory Medicine, University of Washington
Classification: Likely benign for Hereditary cancer-predisposing syndrome. Last evaluated: 2023-03-23. Review status: criteria provided, single submitter. Criteria: Dines et al. (Genet Med. 2020). Collection method: curation. Allele origin: germline.
Comment: Missense variant in a coldspot region where missense variants are very unlikely to be pathogenic (PMID:31911673).

BRCA2 exon 11 coldspot. Reclassification based on statistical prior probability.

Ambry Genetics
Classification: Uncertain significance for Hereditary cancer-predisposing syndrome. Last evaluated: 2016-12-22. Review status: criteria provided, single submitter. Criteria: Ambry Variant Classification Scheme 2023. Collection method: clinical testing. Allele origin: germline.
Comment: The p.D1451A variant (also known as c.4352A>C), located in coding exon 10 of the BRCA2 gene, results from an A to C substitution at nucleotide position 4352. The aspartic acid at codon 1451 is replaced by alanine, an amino acid with dissimilar properties. This amino acid position is not well conserved in available vertebrate species. In addition, the in silico prediction for this alteration is inconclusive. Since supporting evidence is limited at this time, the clinical significance of this alteration remains unclear.